The following is an entry in ClinVar:

NM_001378454.1(ALMS1):c.11594G>A (p.Ser3865Asn)

Gene: ALMS1 (ALMS1 centrosome and basal body associated protein; plus strand). Cytogenetic location: 2p13.1.
Variant type: single nucleotide variant.
Coding change: c.11594G>A on transcript NM_001378454.1 (MANE Select); coding-DNA position 11594, G replaced by A.
Protein change: p.Ser3865Asn; replaces serine 3865 with asparagine.
Molecular consequence: missense variant.
Genome position (GRCh38, 1-based): chr2:73,599,447, G>A. VCF-style: chr2-73599447-G-A. GRCh37 (hg19) VCF-style: chr2-73826574-G-A.
Other names: c.11597G>A, p.Ser3866Asn (NM_015120.4); short protein forms S3865N, S3866N.
Identifiers: ClinVar variation 2626181 (VCV002626181.2), dbSNP rs1675623818, ClinGen allele CA347262827.

ClinVar aggregate classification (germline): Uncertain significance (1 of 4 stars; one submission).

Conditions:
Cardiovascular phenotype. Identifiers: MedGen CN230736.

Allele frequency attached by ClinVar (database versions not stated): TOPMed below 0.00001.

Submission:

Ambry Genetics
Classification: Uncertain significance for Cardiovascular phenotype. Last evaluated: 2023-06-29. Review status: criteria provided, single submitter. Criteria: Ambry Variant Classification Scheme 2023. Collection method: clinical testing. Allele origin: germline.
Comment: The p.S3866N variant (also known as c.11597G>A), located in coding exon 17 of the ALMS1 gene, results from a G to A substitution at nucleotide position 11597. The serine at codon 3866 is replaced by asparagine, an amino acid with highly similar properties. This amino acid position is well conserved in available vertebrate species. In addition, this alteration is predicted to be tolerated by in silico analysis. Since supporting evidence is limited at this time, the clinical significance of this alteration remains unclear.